The following is an entry in ClinVar:

ClinVar aggregate classification (germline): Pathogenic (1 of 4 stars; one submission).

Conditions:
Neurofibromatosis, type 1 (NF1). Also called: Neurofibromatosis, type I; NEUROFIBROMATOSIS, TYPE I, SOMATIC; Peripheral type neurofibromatosis; VON RECKLINGHAUSEN DISEASE. Identifiers: Orphanet 636, MedGen C0027831, MONDO:0018975, OMIM 162200. Disease mechanism: loss of function.

Submission:

Labcorp Genetics (formerly Invitae), Labcorp
Classification: Pathogenic for Neurofibromatosis, type 1. Last evaluated: 2024-04-29. Review status: criteria provided, single submitter. Criteria: Invitae Variant Classification Sherloc (09022015). Collection method: clinical testing. Allele origin: germline.
Comment: This sequence change creates a premature translational stop signal (p.Thr1860Leufs*6) in the NF1 gene. It is expected to result in an absent or disrupted protein product. Loss-of-function variants in NF1 are known to be pathogenic (PMID: 10712197, 23913538). This variant is not present in population databases (gnomAD no frequency). This variant has not been reported in the literature in individuals affected with NF1-related conditions. For these reasons, this variant has been classified as Pathogenic.

Literature cited by the submitters: PubMed 10712197; PubMed 23913538.

NM_001042492.3(NF1):c.5641del (p.Thr1881fs)

Gene: NF1 (neurofibromin 1; plus strand). Cytogenetic location: 17q11.2.
Variant type: Deletion.
Coding change: c.5641del on transcript NM_001042492.3 (MANE Select); coding-DNA position 5641, one base deleted (A; older notation c.5641delA).
Protein change: p.Thr1881fs; shifts the reading frame from threonine 1881.
Molecular consequence: frameshift variant.
Genome position (GRCh38, 1-based): chr17:31,330,327, A deleted; the last of 2 consecutive A bases (chr17:31,330,326-31,330,327); deleting either gives the same sequence. VCF-style (leftmost placement, unchanged base first): chr17-31330325-TA-T. GRCh37 (hg19) VCF-style: chr17-29657343-TA-T.
Other names: c.5578delA, p.Thr1860Leufs (NM_000267.4); short protein forms T1860fs, T1881fs.
Identifiers: ClinVar variation 2860989 (VCV002860989.3), dbSNP rs2508717928, ClinGen allele CA2739267472.
Genomic context (GRCh38, chr17:31,330,325, plus strand): 5'-TTAAAACAACTTCATTTGTGTTTTCTCCTAGGTCAGCTGCCTATAATCTTCTGTGTGCCT[TA>T]ACTTGTACCTTTAATTTAAAAATCGAGGGCCAGTTACTAGAGACATCAGGTTTATGTATC-3'